The following is an entry in ClinVar:

NM_000465.4(BARD1):c.908T>A (p.Val303Asp)

Gene: BARD1 (BRCA1 associated RING domain 1; minus strand). Cytogenetic location: 2q35.
Variant type: single nucleotide variant.
Coding change: c.908T>A on transcript NM_000465.4 (MANE Select); coding-DNA position 908, T replaced by A.
Protein change: p.Val303Asp; replaces valine 303 with aspartic acid.
Molecular consequence: missense variant. On other transcripts: non-coding transcript variant (2), intron variant (3).
Genome position (GRCh38, 1-based): chr2:214,780,966, A>T on the plus strand (T>A on the coding strand, the complement: BARD1 is on the minus strand). VCF-style: chr2-214780966-A-T. GRCh37 (hg19) VCF-style: chr2-215645690-A-T.
Other names: c.851T>A, p.Val284Asp (NM_001282543.2); c.159-28411T>A (NM_001282548.2); c.215+16095T>A (NM_001282545.2); c.364+11331T>A (NM_001282549.2); short protein forms V284D, V303D.
Identifiers: ClinVar variation 1765742 (VCV001765742.2), dbSNP rs2469506800, ClinGen allele CA350455103.

ClinVar aggregate classification (germline): Uncertain significance (1 of 4 stars; one submission).

Conditions:
Hereditary cancer-predisposing syndrome. Also called: Neoplastic Syndromes, Hereditary; Tumor predisposition; Hereditary Cancer Syndrome; Hereditary neoplastic syndrome. Identifiers: Orphanet 140162, MedGen C0027672, MeSH D009386, MONDO:0015356.

Submission:

Ambry Genetics
Classification: Uncertain significance for Hereditary cancer-predisposing syndrome. Last evaluated: 2022-04-05. Review status: criteria provided, single submitter. Criteria: Ambry Variant Classification Scheme 2023. Collection method: clinical testing. Allele origin: germline.
Comment: The p.V303D variant (also known as c.908T>A), located in coding exon 4 of the BARD1 gene, results from a T to A substitution at nucleotide position 908. The valine at codon 303 is replaced by aspartic acid, an amino acid with highly dissimilar properties. This amino acid position is conserved. In addition, this alteration is predicted to be tolerated by in silico analysis. Since supporting evidence is limited at this time, the clinical significance of this alteration remains unclear.